The following is an entry in ClinVar:

NM_001291303.3(FAT4):c.4480_4481insG (p.Leu1494fs)

Gene: FAT4 (FAT atypical cadherin 4; plus strand). Cytogenetic location: 4q28.1.
Variant type: Insertion.
Coding change: c.4480_4481insG on transcript NM_001291303.3 (MANE Select); coding-DNA positions 4480 to 4481, G inserted.
Protein change: p.Leu1494fs; shifts the reading frame from leucine 1494.
Molecular consequence: frameshift variant.
Genome position: GRCh38 VCF-style: chr4-125320891-T-TG. GRCh37 (hg19) VCF-style: chr4-126242046-T-TG.
Other names: c.4480_4481insG, p.Leu1494fs (NM_001291285.3, NM_024582.6); short protein forms L1494fs.
Identifiers: ClinVar variation 2041878 (VCV002041878.4), dbSNP rs2530451837, ClinGen allele CA2578190974.

ClinVar aggregate classification (germline): Pathogenic (1 of 4 stars; one submission).

Submission:

Labcorp Genetics (formerly Invitae), Labcorp
Classification: Pathogenic. Last evaluated: 2021-12-22. Review status: criteria provided, single submitter. Criteria: Invitae Variant Classification Sherloc (09022015). Collection method: clinical testing. Allele origin: germline.
Comment: This sequence change creates a premature translational stop signal (p.Leu1494Cysfs*7) in the FAT4 gene. It is expected to result in an absent or disrupted protein product. Loss-of-function variants in FAT4 are known to be pathogenic (PMID: 24056717, 24913602). This variant is not present in population databases (gnomAD no frequency). This variant has not been reported in the literature in individuals affected with FAT4-related conditions. For these reasons, this variant has been classified as Pathogenic.

Literature cited by the submitters: PubMed 24056717; PubMed 24913602.